The following is an entry in ClinVar:

ClinVar aggregate classification (germline): Uncertain significance (1 of 4 stars; one submission).

Conditions:
BDP1-related disorder. Also called: BDP1-related condition.

gnomAD v4.1: 5 of 1,587,334 alleles (0.00031%); highest among the groups gnomAD compares: South Asian, 0.0034%; no homozygotes.

Submission:

PreventionGenetics, part of Exact Sciences
Classification: Uncertain significance for BDP1-related condition. Last evaluated: 2026-05-05. Review status: criteria provided, single submitter. Criteria: ACMG Guidelines, 2015. Collection method: clinical testing. Allele origin: germline.
Comment: The BDP1 c.3526A>G variant is predicted to result in the amino acid substitution p.Thr1176Ala. To our knowledge, this variant has not been reported in the literature. This variant is reported in 0.0041% of alleles in individuals of African descent in gnomAD. At this time, the clinical significance of this variant is uncertain due to the absence of conclusive functional and genetic evidence.

NM_018429.3(BDP1):c.3526A>G (p.Thr1176Ala)

Gene: BDP1 (BDP1 general transcription factor IIIB subunit; plus strand). Cytogenetic location: 5q13.2.
Variant type: single nucleotide variant.
Coding change: c.3526A>G on transcript NM_018429.3 (MANE Select); coding-DNA position 3526, A replaced by G.
Protein change: p.Thr1176Ala; replaces threonine 1176 with alanine.
Molecular consequence: missense variant.
Genome position (GRCh38, 1-based): chr5:71,510,618, A>G. VCF-style: chr5-71510618-A-G. GRCh37 (hg19) VCF-style: chr5-70806445-A-G.
Other names: short protein forms T1176A.
Identifiers: ClinVar variation 4988290 (VCV004988290.1).